The following is an entry in ClinVar:

NM_000080.4(CHRNE):c.*743T>G

Genes: CHRNE (cholinergic receptor nicotinic epsilon subunit; minus strand), MINK1 (misshapen like kinase 1; plus strand). Cytogenetic location: 17p13.2.
Variant type: single nucleotide variant.
Coding change: c.*743T>G on transcript NM_000080.4 (MANE Select); 743 bases downstream of the stop codon, T replaced by G.
Molecular consequence: 3 prime UTR variant.
Genome position (GRCh38, 1-based): chr17:4,897,993, A>C on the plus strand (T>G on the coding strand, the complement: CHRNE is on the minus strand). VCF-style: chr17-4897993-A-C. GRCh37 (hg19) VCF-style: chr17-4801288-A-C.
Other names: c.*706A>C (NM_001024937.4, NM_001321236.2, NM_015716.5 and 2 more transcripts).
Identifiers: ClinVar variation 323959 (VCV000323959.6), dbSNP rs1053754, ClinGen allele CA10650452.

ClinVar aggregate classification (germline): Benign. Review status: criteria provided, multiple submitters, no conflicts (2 of 4 stars). 2 submissions from 2 submitters: Benign (2). Last evaluated 2018-01-13.

Conditions:
Congenital myasthenic syndrome (CMS). Also called: Congenital Myasthenic Syndromes. Identifiers: Orphanet 590, MedGen C0751882, MeSH D020294, MONDO:0018940.

Allele frequency attached by ClinVar (database versions not stated): 1000 Genomes Project 0.36621; gnomAD 0.54233.

Submissions (2):

Illumina Laboratory Services, Illumina
Classification: Benign for Congenital myasthenic syndrome. Last evaluated: 2018-01-13. Review status: criteria provided, single submitter. Criteria: ICSL Variant Classification Criteria 13 December 2019. Collection method: clinical testing. Allele origin: germline.
Comment: This variant was observed in the ICSL laboratory as part of a predisposition screen in an ostensibly healthy population. It had not been previously curated by ICSL or reported in the Human Gene Mutation Database (HGMD: prior to June 1st, 2018), and was therefore a candidate for classification through an automated scoring system. Utilizing variant allele frequency, disease prevalence and penetrance estimates, and inheritance mode, an automated score was calculated to assess if this variant is too frequent to cause the disease. Based on the score and internal cut-off values, a variant classified as benign is not then subjected to further curation. The score for this variant resulted in a classification of benign for this disease.

Breakthrough Genomics
Classification: Benign. Review status: criteria provided, single submitter. Criteria: ACMG Guidelines, 2015. Collection method: not provided. Allele origin: germline. Inheritance: Autosomal recessive inheritance. Affected: yes.